The following is an entry in ClinVar:

NM_002692.4(POLE2):c.16C>A (p.Leu6Met)

Gene: POLE2 (DNA polymerase epsilon 2, accessory subunit; minus strand). Cytogenetic location: 14q21.3.
Variant type: single nucleotide variant.
Coding change: c.16C>A on transcript NM_002692.4 (MANE Select); coding-DNA position 16, C replaced by A.
Protein change: p.Leu6Met; replaces leucine 6 with methionine.
Molecular consequence: missense variant. On other transcripts: 5 prime UTR variant (1).
Genome position (GRCh38, 1-based): chr14:49,688,188, G>T on the plus strand (C>A on the coding strand, the complement: POLE2 is on the minus strand). VCF-style: chr14-49688188-G-T. GRCh37 (hg19) VCF-style: chr14-50154906-G-T.
Other names: c.16C>A, p.Leu6Met (NM_001197330.2, NM_001197331.3, NM_001348384.2); c.-220C>A (NM_001348385.2); short protein forms L6M.
Identifiers: ClinVar variation 3670080 (VCV003670080.2).

ClinVar aggregate classification (germline): Uncertain significance (1 of 4 stars; one submission).

Submission:

Labcorp Genetics (formerly Invitae), Labcorp
Classification: Uncertain significance. Last evaluated: 2024-08-28. Review status: criteria provided, single submitter. Criteria: Invitae Variant Classification Sherloc (09022015). Collection method: clinical testing. Allele origin: germline.
Comment: This sequence change replaces leucine, which is neutral and non-polar, with methionine, which is neutral and non-polar, at codon 6 of the POLE2 protein (p.Leu6Met). This variant is not present in population databases (gnomAD no frequency). This variant has not been reported in the literature in individuals affected with POLE2-related conditions. An algorithm developed to predict the effect of missense changes on protein structure and function (PolyPhen-2) suggests that this variant is likely to be tolerated. In summary, the available evidence is currently insufficient to determine the role of this variant in disease. Therefore, it has been classified as a Variant of Uncertain Significance.